The following is an entry in ClinVar:

ClinVar aggregate classification (germline): Uncertain significance. Review status: criteria provided, multiple submitters, no conflicts (2 of 4 stars). 3 submissions from 3 submitters: Uncertain significance (3). Last evaluated 2024-09-21.

Conditions:
Developmental and epileptic encephalopathy, 18 (DEE18). Also called: Early infantile epileptic encephalopathy 18. Identifiers: Orphanet 369894, MedGen C3809624, MONDO:0014201, OMIM 615476.

Allele frequency attached by ClinVar (database versions not stated): TOPMed below 0.00001; ExAC 0.00003; gnomAD exomes 0.00002 and 0.00001; gnomAD 0.00001.
gnomAD v4.1: 17 of 1,582,050 alleles (0.0011%); highest among the groups gnomAD compares: South Asian, 0.0045%; no homozygotes.

Submissions (3):

Labcorp Genetics (formerly Invitae), Labcorp
Classification: Uncertain significance. Last evaluated: 2024-09-21. Review status: criteria provided, single submitter. Criteria: Invitae Variant Classification Sherloc (09022015). Collection method: clinical testing. Allele origin: germline.
Comment: This sequence change replaces arginine, which is basic and polar, with cysteine, which is neutral and slightly polar, at codon 3241 of the SZT2 protein (p.Arg3241Cys). This variant is present in population databases (rs764177776, gnomAD 0.004%). This variant has not been reported in the literature in individuals affected with SZT2-related conditions. ClinVar contains an entry for this variant (Variation ID: 844834). Invitae Evidence Modeling of protein sequence and biophysical properties (such as structural, functional, and spatial information, amino acid conservation, physicochemical variation, residue mobility, and thermodynamic stability) indicates that this missense variant is not expected to disrupt SZT2 protein function with a negative predictive value of 80%. In summary, the available evidence is currently insufficient to determine the role of this variant in disease. Therefore, it has been classified as a Variant of Uncertain Significance.

Genome-Nilou Lab
Classification: Uncertain significance for Developmental and epileptic encephalopathy, 18. Last evaluated: 2023-04-11. Review status: criteria provided, single submitter. Criteria: ACMG Guidelines, 2015. Collection method: clinical testing. Allele origin: germline. Affected: no.

New York Genome Center
Classification: Uncertain significance for Developmental and epileptic encephalopathy, 18. Last evaluated: 2021-04-25. Review status: criteria provided, single submitter. Criteria: NYGC Assertion Criteria 2020. Collection method: clinical testing. Allele origin: inherited. Observed: 1 heterozygote. Study: CSER-NYCKidSeq.

NM_001365999.1(SZT2):c.9892C>T (p.Arg3298Cys)

Genes: SZT2 (SZT2 subunit of KICSTOR complex; plus strand), SZT2-AS1 (SZT2 antisense RNA 1; minus strand). Cytogenetic location: 1p34.2.
Variant type: single nucleotide variant.
Coding change: c.9892C>T on transcript NM_001365999.1 (MANE Select); coding-DNA position 9892, C replaced by T.
Protein change: p.Arg3298Cys; replaces arginine 3298 with cysteine.
Molecular consequence: missense variant. On other transcripts: non-coding transcript variant (1).
Genome position (GRCh38, 1-based): chr1:43,448,407, C>T. VCF-style: chr1-43448407-C-T. GRCh37 (hg19) VCF-style: chr1-43914078-C-T.
Other names: c.9721C>T, p.Arg3241Cys (NM_015284.4); short protein forms R3241C, R3298C.
Identifiers: ClinVar variation 844834 (VCV000844834.12), dbSNP rs764177776, ClinGen allele CA811032.